The following is an entry in ClinVar:

ClinVar aggregate classification (germline): Uncertain significance (1 of 4 stars; one submission).

Allele frequency attached by ClinVar (database versions not stated): TOPMed 0.00001.

Submission:

Women's Health and Genetics/Laboratory Corporation of America, LabCorp
Classification: Uncertain significance. Last evaluated: 2024-01-26. Review status: criteria provided, single submitter. Criteria: LabCorp Variant Classification Summary - May 2015. Collection method: clinical testing. Allele origin: germline.
Comment: Variant summary: PTPN11 c.318T>A (p.Asp106Glu) results in a conservative amino acid change in the encoded protein sequence. Three of five in-silico tools predict a benign effect of the variant on protein function. The variant was absent in 251160 control chromosomes. The available data on variant occurrences in the general population are insufficient to allow any conclusion about variant significance. To our knowledge, no occurrence of c.318T>A in individuals affected with Noonan Syndrome/Leopard Syndrome and no experimental evidence demonstrating its impact on protein function have been reported. No submitters have cited clinical-significance assessments for this variant to ClinVar. Based on the evidence outlined above, the variant was classified as uncertain significance.

NM_002834.5(PTPN11):c.318T>A (p.Asp106Glu)

Gene: PTPN11 (protein tyrosine phosphatase non-receptor type 11; plus strand). Cytogenetic location: 12q24.13.
Variant type: single nucleotide variant.
Coding change: c.318T>A on transcript NM_002834.5 (MANE Select); coding-DNA position 318, T replaced by A.
Protein change: p.Asp106Glu; replaces aspartic acid 106 with glutamic acid.
Molecular consequence: missense variant.
Genome position (GRCh38, 1-based): chr12:112,450,498, T>A. VCF-style: chr12-112450498-T-A. GRCh37 (hg19) VCF-style: chr12-112888302-T-A.
Other names: c.318T>A, p.Asp106Glu (NM_001330437.2, NM_080601.3); c.315T>A, p.Asp105Glu (NM_001374625.1); short protein forms D105E, D106E.
Identifiers: ClinVar variation 3063683 (VCV003063683.1), dbSNP rs2038065262, ClinGen allele CA386778417.